The following is an entry in ClinVar:

ClinVar aggregate classification (germline): Benign. Review status: criteria provided, multiple submitters, no conflicts (2 of 4 stars). 5 submissions from 5 submitters: Benign (4). 1 of the submissions does not count toward it. Last evaluated 2026-02-03.

Conditions:
SERAC1-related disorder. Also called: SERAC1-related condition; SERAC1-related disorders.
3-methylglutaconic aciduria with deafness, encephalopathy, and Leigh-like syndrome (MEGDEL). Also called: SERAC1 Deficiency; 3-METHYLGLUTACONIC ACIDURIA, TYPE VI; MEGDEL syndrome. Identifiers: Orphanet 352328, MedGen C4040739, MONDO:0013875, OMIM 614739.

Allele frequency attached by ClinVar (database versions not stated): gnomAD exomes 0.00387; ExAC 0.00471; gnomAD 0.01481 and 0.01607; ESP Exome Variant Server 0.01484; 1000 Genomes Project 0.01558; 1000 Genomes Project 30x 0.01608; TOPMed 0.01619.
gnomAD v4.1: 4,329 of 1,613,142 alleles (0.27%); highest among the groups gnomAD compares: African/African-American, 5%; 112 homozygotes.

Submissions (5):

Labcorp Genetics (formerly Invitae), Labcorp
Classification: Benign for 3-methylglutaconic aciduria with deafness, encephalopathy, and Leigh-like syndrome. Last evaluated: 2026-02-03. Review status: criteria provided, single submitter. Criteria: Invitae Variant Classification Sherloc (09022015). Collection method: clinical testing. Allele origin: germline.

Mayo Clinic Laboratories, Mayo Clinic
Classification: Benign. Last evaluated: 2022-07-29. Review status: criteria provided, single submitter. Criteria: ACMG Guidelines, 2015. Collection method: clinical testing. Allele origin: germline. Observed: 13 variant alleles.

Genome-Nilou Lab
Classification: Benign for 3-methylglutaconic aciduria with deafness, encephalopathy, and Leigh-like syndrome. Last evaluated: 2022-03-15. Review status: criteria provided, single submitter. Criteria: ACMG Guidelines, 2015. Collection method: clinical testing. Allele origin: germline. Affected: no.

GeneDx
Classification: Benign. Last evaluated: 2014-01-18. Review status: criteria provided, single submitter. Criteria: GeneDx Variant Classification (06012015). Collection method: clinical testing. Allele origin: germline. Affected: yes.
Comment: This variant is considered likely benign or benign based on one or more of the following criteria: it is a conservative change, it occurs at a poorly conserved position in the protein, it is predicted to be benign by multiple in silico algorithms, and/or has population frequency not consistent with disease.

PreventionGenetics, part of Exact Sciences
Classification: Benign for SERAC1-related condition. Last evaluated: 2020-01-13. Review status: no assertion criteria provided. Collection method: clinical testing. Allele origin: germline. Not counted in ClinVar's aggregate classification.
Comment: This variant is classified as benign based on ACMG/AMP sequence variant interpretation guidelines (Richards et al. 2015 PMID: 25741868, with internal and published modifications).

NM_032861.4(SERAC1):c.1293G>A (p.Thr431=)

Gene: SERAC1 (serine active site containing 1; minus strand). Cytogenetic location: 6q25.3.
Variant type: single nucleotide variant.
Coding change: c.1293G>A on transcript NM_032861.4 (MANE Select); coding-DNA position 1293, G replaced by A.
Protein change: p.Thr431=; no amino-acid change (threonine 431 retained).
Molecular consequence: synonymous variant. On other transcripts: non-coding transcript variant (1).
Genome position (GRCh38, 1-based): chr6:158,119,044, C>T on the plus strand (G>A on the coding strand, the complement: SERAC1 is on the minus strand). VCF-style: chr6-158119044-C-T. GRCh37 (hg19) VCF-style: chr6-158540076-C-T.
Other names: p.T431T:ACG>ACA; p.Thr431=.
Identifiers: ClinVar variation 139097 (VCV000139097.16), dbSNP rs73797641, ClinGen allele CA293469.